The following is an entry in ClinVar:

NM_152542.5(PPM1K):c.352G>C (p.Asp118His)

Gene: PPM1K (protein phosphatase, Mg2+/Mn2+ dependent 1K; minus strand). Cytogenetic location: 4q22.1.
Variant type: single nucleotide variant.
Coding change: c.352G>C on transcript NM_152542.5 (MANE Select); coding-DNA position 352, G replaced by C.
Protein change: p.Asp118His; replaces aspartic acid 118 with histidine.
Molecular consequence: missense variant.
Genome position (GRCh38, 1-based): chr4:88,278,232, C>G on the plus strand (G>C on the coding strand, the complement: PPM1K is on the minus strand). VCF-style: chr4-88278232-C-G. GRCh37 (hg19) VCF-style: chr4-89199384-C-G.
Other names: c.352G>C (NM_152542.3); short protein forms D118H.
Identifiers: ClinVar variation 2906530 (VCV002906530.4), dbSNP rs181649252, ClinGen allele CA3005317.

ClinVar aggregate classification (germline): Uncertain significance. Review status: criteria provided, multiple submitters, no conflicts (2 of 4 stars). 2 submissions from 2 submitters: Uncertain significance (2). Last evaluated 2024-01-29.

Conditions:
Maple syrup urine disease, mild variant (MSUDMV). Identifiers: Orphanet 511, MedGen C3554575, MONDO:0014057, OMIM 615135.

Allele frequency attached by ClinVar (database versions not stated): gnomAD 0.00001; gnomAD exomes 0.00001; ExAC 0.00006; TOPMed 0.00006; 1000 Genomes Project 30x 0.00016; 1000 Genomes Project 0.00020.
gnomAD v4.1: 12 of 1,614,236 alleles (0.00074%); highest among the groups gnomAD compares: East Asian, 0.027%; no homozygotes.

Submissions (2):

Ambry Genetics
Classification: Uncertain significance. Last evaluated: 2024-01-29. Review status: criteria provided, single submitter. Criteria: Ambry Variant Classification Scheme 2023. Collection method: clinical testing. Allele origin: germline.

Labcorp Genetics (formerly Invitae), Labcorp
Classification: Uncertain significance for Maple syrup urine disease, mild variant. Last evaluated: 2023-02-14. Review status: criteria provided, single submitter. Criteria: Invitae Variant Classification Sherloc (09022015). Collection method: clinical testing. Allele origin: germline.
Comment: In summary, the available evidence is currently insufficient to determine the role of this variant in disease. Therefore, it has been classified as a Variant of Uncertain Significance. An algorithm developed to predict the effect of missense changes on protein structure and function (PolyPhen-2) suggests that this variant is likely to be tolerated. This variant has not been reported in the literature in individuals affected with PPM1K-related conditions. This variant is present in population databases (rs181649252, gnomAD 0.07%), and has an allele count higher than expected for a pathogenic variant. This sequence change replaces aspartic acid, which is acidic and polar, with histidine, which is basic and polar, at codon 118 of the PPM1K protein (p.Asp118His).